The following is an entry in ClinVar:

ClinVar aggregate classification (germline): Uncertain significance. Review status: criteria provided, multiple submitters, no conflicts (2 of 4 stars). 5 submissions from 5 submitters: Uncertain significance (5). Last evaluated 2024-02-14.

Conditions:
Aortic aneurysm, familial thoracic 4 (AAT4). Also called: AORTIC ANEURYSM/AORTIC DISSECTION AND PATENT DUCTUS ARTERIOSUS. Identifiers: MedGen C1851504, MONDO:0007568, OMIM 132900.
Familial thoracic aortic aneurysm and aortic dissection (TAAD). Also called: Thoracic aortic aneurysms and dissections. Identifiers: Orphanet 91387, MedGen C4707243, MONDO:0019625.
Megacystis-microcolon-intestinal hypoperistalsis syndrome 2. Identifiers: MedGen C5543476, MONDO:0025708, OMIM 619351.
Visceral myopathy 2. Identifiers: MedGen C5543466, MONDO:0859157, OMIM 619350.

Allele frequency attached by ClinVar (database versions not stated): TOPMed below 0.00001; ExAC 0.00001; gnomAD 0.00001; gnomAD exomes 0.00002.
gnomAD v4.1: 11 of 1,613,980 alleles (0.00068%); highest among the groups gnomAD compares: South Asian, 0.0033%; no homozygotes.

Submissions (5):

Ambry Genetics
Classification: Uncertain significance for Familial thoracic aortic aneurysm and aortic dissection. Last evaluated: 2024-02-14. Review status: criteria provided, single submitter. Criteria: Ambry Variant Classification Scheme 2023. Collection method: clinical testing. Allele origin: germline.
Comment: The p.E1298K variant (also known as c.3892G>A), located in coding exon 28 of the MYH11 gene, results from a G to A substitution at nucleotide position 3892. The glutamic acid at codon 1298 is replaced by lysine, an amino acid with similar properties. This amino acid position is well conserved in available vertebrate species. In addition, this alteration is predicted to be deleterious by in silico analysis. Since supporting evidence is limited at this time, the clinical significance of this alteration remains unclear.

All of Us Research Program, National Institutes of Health
Classification: Uncertain significance for Familial thoracic aortic aneurysm and aortic dissection. Last evaluated: 2023-10-27. Review status: criteria provided, single submitter. Criteria: ACMG Guidelines, 2015. Collection method: clinical testing. Allele origin: germline. Inheritance: Autosomal dominant inheritance. Observed: 3 variant alleles, 3 heterozygotes.
Comment: This missense variant replaces glutamic acid with lysine at codon 1305 of the MYH11 protein. Computational prediction suggests that this variant may have deleterious impact on protein structure and function (internally defined REVEL score threshold >= 0.7, PMID: 27666373). To our knowledge, functional studies have not been reported for this variant. This variant has not been reported in individuals affected with cardiovascular disorders in the literature. This variant has been identified in 4/251342 chromosomes in the general population by the Genome Aggregation Database (gnomAD). The available evidence is insufficient to determine the role of this variant in disease conclusively. Therefore, this variant is classified as a Variant of Uncertain Significance.

This study involves interpretation of variants in research participants for the purpose of population health screening. Participant phenotype was not available at the time of variant classification. Additional details can be found in publication PMID: 35346344, PMCID: PMC8962531

Labcorp Genetics (formerly Invitae), Labcorp
Classification: Uncertain significance for Aortic aneurysm, familial thoracic 4. Last evaluated: 2023-10-14. Review status: criteria provided, single submitter. Criteria: Invitae Variant Classification Sherloc (09022015). Collection method: clinical testing. Allele origin: germline.
Comment: This sequence change replaces glutamic acid, which is acidic and polar, with lysine, which is basic and polar, at codon 1305 of the MYH11 protein (p.Glu1305Lys). This variant is present in population databases (rs780157741, gnomAD 0.003%). This variant has not been reported in the literature in individuals affected with MYH11-related conditions. ClinVar contains an entry for this variant (Variation ID: 918397). Advanced modeling of protein sequence and biophysical properties (such as structural, functional, and spatial information, amino acid conservation, physicochemical variation, residue mobility, and thermodynamic stability) performed at Invitae indicates that this missense variant is not expected to disrupt MYH11 protein function. In summary, the available evidence is currently insufficient to determine the role of this variant in disease. Therefore, it has been classified as a Variant of Uncertain Significance.

Color Diagnostics, LLC DBA Color Health
Classification: Uncertain significance for Familial thoracic aortic aneurysm and aortic dissection. Last evaluated: 2023-09-28. Review status: criteria provided, single submitter. Criteria: ACMG Guidelines, 2015. Collection method: clinical testing. Allele origin: germline.
Comment: This missense variant replaces glutamic acid with lysine at codon 1305 of the MYH11 protein. Computational prediction suggests that this variant may have deleterious impact on protein structure and function (internally defined REVEL score threshold >= 0.7, PMID: 27666373). To our knowledge, functional studies have not been reported for this variant. This variant has not been reported in individuals affected with MYH11-related disorders in the literature. This variant has been identified in 4/251342 chromosomes in the general population by the Genome Aggregation Database (gnomAD). The available evidence is insufficient to determine the role of this variant in disease conclusively. Therefore, this variant is classified as a Variant of Uncertain Significance.

Fulgent Genetics
Classification: Uncertain significance for Aortic aneurysm, familial thoracic 4; Visceral myopathy 2; Megacystis-microcolon-intestinal hypoperistalsis syndrome 2. Last evaluated: 2021-07-20. Review status: criteria provided, single submitter. Criteria: ACMG Guidelines, 2015. Collection method: clinical testing. Allele origin: unknown.

NM_002474.3(MYH11):c.3892G>A (p.Glu1298Lys)

Genes: MYH11 (myosin heavy chain 11; minus strand), NDE1 (nudE neurodevelopment protein 1; plus strand). Cytogenetic location: 16p13.11.
Variant type: single nucleotide variant.
Coding change: c.3892G>A on transcript NM_002474.3 (MANE Select); coding-DNA position 3892, G replaced by A.
Protein change: p.Glu1298Lys; replaces glutamic acid 1298 with lysine.
Molecular consequence: missense variant. On other transcripts: 3 prime UTR variant (2).
Genome position (GRCh38, 1-based): chr16:15,724,959, C>T on the plus strand (G>A on the coding strand, the complement: MYH11 is on the minus strand). VCF-style: chr16-15724959-C-T. GRCh37 (hg19) VCF-style: chr16-15818816-C-T.
Other names: c.3913G>A, p.Glu1305Lys (NM_001040113.2, NM_001040114.2); c.3892G>A, p.Glu1298Lys (NM_022844.3); c.*708C>T (NM_001143979.2, NM_017668.3); short protein forms E1305K, E1298K.
Identifiers: ClinVar variation 918397 (VCV000918397.12), dbSNP rs780157741, ClinGen allele CA7921843.
Genomic context (GRCh38, chr16:15,724,959, plus strand): 5'-GGAGCTGGGAACTGAGGGACGCCACGTCCTTGGCCAGCTTAATGGCCTTCCCCTCGGCCT[C>T]GTTAAGCATCCCTGTGACGCTCTCAACTTCATTCTAAGGGTGCCAAGAGACTGGTTAGTC-3'
Protein context (NP_002465.1, residues 1288-1308): EVESVTGMLN[Glu1298Lys]AEGKAIKLAK